The following is an entry in ClinVar:

ClinVar aggregate classification (germline): Uncertain significance. Review status: criteria provided, multiple submitters, no conflicts (2 of 4 stars). 2 submissions from 2 submitters: Uncertain significance (2). Last evaluated 2022-08-21.

Conditions:
Retinitis pigmentosa 73 (RP73). Identifiers: Orphanet 791, MedGen C4225287, MONDO:0014687, OMIM 616544.
Mucopolysaccharidosis, MPS-III-C (MPS3C). Also called: SANFILIPPO SYNDROME C; MPS III C; Mucopolysaccharidosis type IIIC (Sanfilippo C); MUCOPOLYSACCHARIDOSIS, TYPE IIIC; mucopolysaccharidosis type 3C; MPS IIIC (Sanfilippo Syndrome Type C). Identifiers: Orphanet 581, Orphanet 79271, MedGen C0086649, MONDO:0009657, OMIM 252930.

gnomAD v4.1: 1 of 1,609,656 alleles (0.000062%); no homozygotes.

Submissions (2):

Labcorp Genetics (formerly Invitae), Labcorp
Classification: Uncertain significance for Retinitis pigmentosa 73; Mucopolysaccharidosis, MPS-III-C. Last evaluated: 2022-08-21. Review status: criteria provided, single submitter. Criteria: Invitae Variant Classification Sherloc (09022015). Collection method: clinical testing. Allele origin: germline.
Comment: In summary, the available evidence is currently insufficient to determine the role of this variant in disease. Therefore, it has been classified as a Variant of Uncertain Significance. Algorithms developed to predict the effect of missense changes on protein structure and function (SIFT, PolyPhen-2, Align-GVGD) all suggest that this variant is likely to be disruptive. This variant has not been reported in the literature in individuals affected with HGSNAT-related conditions. This variant is not present in population databases (gnomAD no frequency). This sequence change replaces serine, which is neutral and polar, with phenylalanine, which is neutral and non-polar, at codon 457 of the HGSNAT protein (p.Ser457Phe).

Blueprint Genetics
Classification: Uncertain significance. Last evaluated: 2018-11-05. Review status: criteria provided, single submitter. Criteria: ACMG Guidelines, 2015. Collection method: clinical testing. Allele origin: germline.

NM_152419.3(HGSNAT):c.1370C>T (p.Ser457Phe)

Gene: HGSNAT (heparan-alpha-glucosaminide N-acetyltransferase; plus strand). Cytogenetic location: 8p11.21.
Variant type: single nucleotide variant.
Coding change: c.1370C>T on transcript NM_152419.3 (MANE Select); coding-DNA position 1370, C replaced by T.
Protein change: p.Ser457Phe; replaces serine 457 with phenylalanine.
Molecular consequence: missense variant.
Genome position (GRCh38, 1-based): chr8:43,192,423, C>T. VCF-style: chr8-43192423-C-T. GRCh37 (hg19) VCF-style: chr8-43047566-C-T.
Other names: c.1370C>T, p.Ser457Phe (NM_001363227.2); c.1178C>T, p.Ser393Phe (NM_001363228.2); c.506C>T, p.Ser169Phe (NM_001363229.2); short protein forms S169F, S393F, S457F.
Identifiers: ClinVar variation 1931737 (VCV001931737.6), dbSNP rs751988026, ClinGen allele CA371119784.